The following is an entry in ClinVar:

ClinVar aggregate classification (germline): Likely benign (1 of 4 stars; one submission).

Submission:

GeneDx
Classification: Likely benign. Last evaluated: 2017-06-13. Review status: criteria provided, single submitter. Criteria: GeneDx Variant Classification (06012015). Collection method: clinical testing. Allele origin: germline. Affected: yes.
Comment: This variant is considered likely benign or benign based on one or more of the following criteria: it is a conservative change, it occurs at a poorly conserved position in the protein, it is predicted to be benign by multiple in silico algorithms, and/or has population frequency not consistent with disease.

NM_001130438.3(SPTAN1):c.117G>A (p.Lys39=)

Gene: SPTAN1 (spectrin alpha, non-erythrocytic 1; plus strand). Cytogenetic location: 9q34.11.
Variant type: single nucleotide variant.
Coding change: c.117G>A on transcript NM_001130438.3 (MANE Select); coding-DNA position 117, G replaced by A.
Protein change: p.Lys39=; no amino-acid change (lysine 39 retained).
Molecular consequence: synonymous variant.
Genome position (GRCh38, 1-based): chr9:128,566,857, G>A. VCF-style: chr9-128566857-G-A. GRCh37 (hg19) VCF-style: chr9-131329136-G-A.
Other names: c.117G>A, p.Lys39= (NM_001195532.2, NM_001363759.2, NM_001363765.2 and 1 more transcripts).
Identifiers: ClinVar variation 390514 (VCV000390514.1), dbSNP rs1057523805, ClinGen allele CA16605339.